The following is an entry in ClinVar:

NM_000901.5(NR3C2):c.2642-1G>C

Gene: NR3C2 (nuclear receptor subfamily 3 group C member 2; minus strand). Cytogenetic location: 4q31.23.
Variant type: single nucleotide variant.
Coding change: c.2642-1G>C on transcript NM_000901.5 (MANE Select); the canonical splice acceptor site of the intron before coding-DNA position 2642, G replaced by C.
Molecular consequence: splice acceptor variant.
Genome position (GRCh38, 1-based): chr4:148,114,262, C>G on the plus strand (G>C on the coding strand, the complement: NR3C2 is on the minus strand). VCF-style: chr4-148114262-C-G. GRCh37 (hg19) VCF-style: chr4-149035413-C-G.
Other names: c.2291-1G>C (NM_001354819.1, NM_001166104.2).
Identifiers: ClinVar variation 2092306 (VCV002092306.4), dbSNP rs2530539414, ClinGen allele CA358427668.

ClinVar aggregate classification (germline): Likely pathogenic (1 of 4 stars; one submission).

Submission:

Labcorp Genetics (formerly Invitae), Labcorp
Classification: Likely pathogenic. Last evaluated: 2022-05-12. Review status: criteria provided, single submitter. Criteria: Invitae Variant Classification Sherloc (09022015). Collection method: clinical testing. Allele origin: germline.
Comment: In summary, the currently available evidence indicates that the variant is pathogenic, but additional data are needed to prove that conclusively. Therefore, this variant has been classified as Likely Pathogenic. Algorithms developed to predict the effect of sequence changes on RNA splicing suggest that this variant may disrupt the consensus splice site. This variant has not been reported in the literature in individuals affected with NR3C2-related conditions. This variant is not present in population databases (gnomAD no frequency). This sequence change affects an acceptor splice site in intron 7 of the NR3C2 gene. It is expected to disrupt RNA splicing. Variants that disrupt the donor or acceptor splice site typically lead to a loss of protein function (PMID: 16199547), and loss-of-function variants in NR3C2 are known to be pathogenic (PMID: 9662404, 16611713, 16972228).

Literature cited by the submitters: PubMed 16199547; PubMed 9662404; PubMed 16611713; PubMed 16972228.